The following is an entry in ClinVar:

ClinVar aggregate classification (germline): Pathogenic/Likely pathogenic. Review status: criteria provided, multiple submitters, no conflicts (2 of 4 stars). 3 submissions from 3 submitters: Pathogenic (1); Likely pathogenic (2). Last evaluated 2025-02-11.

Conditions:
Familial X-linked hypophosphatemic vitamin D refractory rickets (XLHRD). Also called: Hypophosphatemia, vitamin D-resistant rickets; Vitamin D-resistant rickets, X-linked; X-Linked Hypophosphatemia; Hypophosphatemic Rickets, X-Linked Dominant; HYPOPHOSPHATEMIC VITAMIN D-RESISTANT RICKETS. Identifiers: Orphanet 89936, MedGen C0733682, MONDO:0010619, OMIM 307800.

Submissions (3):

Labcorp Genetics (formerly Invitae), Labcorp
Classification: Pathogenic. Last evaluated: 2025-02-11. Review status: criteria provided, single submitter. Criteria: Invitae Variant Classification Sherloc (09022015). Collection method: clinical testing. Allele origin: germline.
Comment: This sequence change replaces tyrosine, which is neutral and polar, with cysteine, which is neutral and slightly polar, at codon 346 of the PHEX protein (p.Tyr346Cys). This variant is not present in population databases (gnomAD no frequency). This missense change has been observed in individuals with hypophosphatemic rickets (PMID: 26402641, 34434907; internal data). ClinVar contains an entry for this variant (Variation ID: 449761). Invitae Evidence Modeling of protein sequence and biophysical properties (such as structural, functional, and spatial information, amino acid conservation, physicochemical variation, residue mobility, and thermodynamic stability) indicates that this missense variant is expected to disrupt PHEX protein function with a positive predictive value of 80%. This variant disrupts the p.Tyr346 amino acid residue in PHEX. Other variant(s) that disrupt this residue have been observed in individuals with PHEX-related conditions (PMID: 19219621), which suggests that this may be a clinically significant amino acid residue. For these reasons, this variant has been classified as Pathogenic.

GeneDx
Classification: Likely pathogenic. Last evaluated: 2020-04-21. Review status: criteria provided, single submitter. Criteria: GeneDx Variant Classification Process June 2021. Collection method: clinical testing. Allele origin: germline. Affected: yes.
Comment: Not observed in large population cohorts (Lek et al., 2016); In silico analysis supports that this missense variant has a deleterious effect on protein structure/function; This variant is associated with the following publications: (PMID: 26402641)

Mendelics
Classification: Likely pathogenic for Familial X-linked hypophosphatemic vitamin D refractory rickets. Last evaluated: 2019-05-28. Review status: criteria provided, single submitter. Criteria: Mendelics Assertion Criteria 2017. Collection method: clinical testing. Allele origin: unknown.

Literature cited by the submitters: PubMed 26402641 (cited by Labcorp Genetics (formerly Invitae), Labcorp); PubMed 34434907 (cited by Labcorp Genetics (formerly Invitae), Labcorp); PubMed 19219621 (cited by Labcorp Genetics (formerly Invitae), Labcorp).

NM_000444.6(PHEX):c.1037A>G (p.Tyr346Cys)

Gene: PHEX (phosphate regulating endopeptidase X-linked; plus strand). Cytogenetic location: Xp22.11.
Variant type: single nucleotide variant.
Coding change: c.1037A>G on transcript NM_000444.6 (MANE Select); coding-DNA position 1037, A replaced by G.
Protein change: p.Tyr346Cys; replaces tyrosine 346 with cysteine.
Molecular consequence: missense variant.
Genome position (GRCh38, 1-based): chrX:22,099,109, A>G. VCF-style: chrX-22099109-A-G. GRCh37 (hg19) VCF-style: chrX-22117227-A-G.
Other names: c.1037A>G, p.Tyr346Cys (NM_001282754.2); short protein forms Y346C.
Identifiers: ClinVar variation 449761 (VCV000449761.9), dbSNP rs1556026033, ClinGen allele CA412572957.